The following is an entry in ClinVar:

NM_000548.5(TSC2):c.3399G>A (p.Gly1133=)

Gene: TSC2 (TSC complex subunit 2; plus strand). Cytogenetic location: 16p13.3.
Variant type: single nucleotide variant.
Coding change: c.3399G>A on transcript NM_000548.5 (MANE Select); coding-DNA position 3399, G replaced by A.
Protein change: p.Gly1133=; no amino-acid change (glycine 1133 retained).
Molecular consequence: synonymous variant.
Genome position (GRCh38, 1-based): chr16:2,080,166, G>A. VCF-style: chr16-2080166-G-A. GRCh37 (hg19) VCF-style: chr16-2130167-G-A.
Other names: c.3399G>A (NM_000548.3); c.3267G>A, p.Gly1089= (NM_001077183.3, NM_001370404.1); c.3399G>A, p.Gly1133= (NM_001114382.3); c.3159G>A, p.Gly1053= (NM_001318827.2); c.3123G>A, p.Gly1041= (NM_001318829.2); c.2667G>A, p.Gly889= (NM_001318831.2); c.3300G>A, p.Gly1100= (NM_001318832.2); c.3270G>A, p.Gly1090= (NM_001363528.2, NM_001370405.1, NM_021055.3).
Identifiers: ClinVar variation 1537204 (VCV001537204.11), dbSNP rs2151455530, ClinGen allele CA493042766.

ClinVar aggregate classification (germline): Benign/Likely benign. Review status: criteria provided, multiple submitters, no conflicts (2 of 4 stars). 5 submissions from 5 submitters: Benign (1); Likely benign (4). Last evaluated 2025-06-30.

Conditions:
Hereditary cancer-predisposing syndrome. Also called: Tumor predisposition; Hereditary Cancer Syndrome; Hereditary neoplastic syndrome; Neoplastic Syndromes, Hereditary. Identifiers: Orphanet 140162, MedGen C0027672, MeSH D009386, MONDO:0015356.
Isolated focal cortical dysplasia type II (FCORD2). Also called: Focal cortical dysplasia type II; CORTICAL DYSPLASIA OF TAYLOR. Identifiers: Orphanet 268994, MedGen C1846385, MONDO:0011818, OMIM 607341, HP:0032051.
Lymphangiomyomatosis (LAM). Also called: Lymphangioleiomyomatosis; Lymphangioleiomyomatosis, somatic. Identifiers: Orphanet 538, MedGen C0751674, MONDO:0011705, OMIM 606690.
Tuberous sclerosis 2 (TSC2). Identifiers: Orphanet 805, MedGen C1860707, MONDO:0013199, OMIM 613254.
Tuberous sclerosis syndrome (TSC). Also called: Tuberous Sclerosis Complex; Tuberous sclerosis. Identifiers: Orphanet 805, MedGen C0041341, MONDO:0001734.

gnomAD v4.1: 1 of 1,612,924 alleles (0.000062%); highest among the groups gnomAD compares: African/African-American, 0.0013%; no homozygotes.

Submissions (5):

Color Diagnostics, LLC DBA Color Health
Classification: Likely benign for Tuberous sclerosis syndrome. Last evaluated: 2025-06-30. Review status: criteria provided, single submitter. Criteria: ACMG Guidelines, 2015. Collection method: clinical testing. Allele origin: germline.

Myriad Genetics, Inc.
Classification: Benign for Tuberous sclerosis 2. Last evaluated: 2025-05-29. Review status: criteria provided, single submitter. Criteria: Myriad Autosomal Dominant, Autosomal Recessive and X-Linked Classification Criteria (2023). Collection method: clinical testing. Allele origin: unknown.
Comment: This variant is considered benign. This variant is a silent/synonymous amino acid change and it is not expected to impact splicing.

Labcorp Genetics (formerly Invitae), Labcorp
Classification: Likely benign for Tuberous sclerosis 2. Last evaluated: 2024-05-28. Review status: criteria provided, single submitter. Criteria: Invitae Variant Classification Sherloc (09022015). Collection method: clinical testing. Allele origin: germline.

Ambry Genetics
Classification: Likely benign for Hereditary cancer-predisposing syndrome. Last evaluated: 2024-05-04. Review status: criteria provided, single submitter. Criteria: Ambry Variant Classification Scheme 2023. Collection method: clinical testing. Allele origin: germline.

Fulgent Genetics
Classification: Likely benign for Lymphangiomyomatosis; Isolated focal cortical dysplasia type II; Tuberous sclerosis 2. Last evaluated: 2021-07-06. Review status: criteria provided, single submitter. Criteria: ACMG Guidelines, 2015. Collection method: clinical testing. Allele origin: unknown.